The following is an entry in ClinVar:

ClinVar aggregate classification (germline): Uncertain significance. Review status: criteria provided, multiple submitters, no conflicts (2 of 4 stars). 2 submissions from 2 submitters: Uncertain significance (2). Last evaluated 2022-02-25.

Conditions:
Hereditary cancer-predisposing syndrome. Also called: Tumor predisposition; Hereditary Cancer Syndrome; Hereditary neoplastic syndrome; Neoplastic Syndromes, Hereditary. Identifiers: Orphanet 140162, MedGen C0027672, MeSH D009386, MONDO:0015356.
Microcephaly, normal intelligence and immunodeficiency (NBS). Also called: IMMUNODEFICIENCY, MICROCEPHALY, AND CHROMOSOMAL INSTABILITY; SEEMANOVA SYNDROME II; Nijmegen breakage syndrome; Microcephaly with normal intelligence immunodeficiency and lymphoreticular malignancies; Nonsyndromal microcephaly autosomal recessive with normal intelligence; Seemanova syndrome 2. Identifiers: Orphanet 647, MedGen C0398791, MONDO:0009623, OMIM 251260.

Submissions (2):

Labcorp Genetics (formerly Invitae), Labcorp
Classification: Uncertain significance for Microcephaly, normal intelligence and immunodeficiency. Last evaluated: 2022-02-25. Review status: criteria provided, single submitter. Criteria: Invitae Variant Classification Sherloc (09022015). Collection method: clinical testing. Allele origin: germline.
Comment: Algorithms developed to predict the effect of missense changes on protein structure and function (SIFT, PolyPhen-2, Align-GVGD) all suggest that this variant is likely to be tolerated. ClinVar contains an entry for this variant (Variation ID: 233135). In summary, the available evidence is currently insufficient to determine the role of this variant in disease. Therefore, it has been classified as a Variant of Uncertain Significance. This sequence change replaces threonine, which is neutral and polar, with isoleucine, which is neutral and non-polar, at codon 336 of the NBN protein (p.Thr336Ile). This variant is not present in population databases (gnomAD no frequency). This variant has not been reported in the literature in individuals affected with NBN-related conditions.

Ambry Genetics
Classification: Uncertain significance for Hereditary cancer-predisposing syndrome. Last evaluated: 2015-07-22. Review status: criteria provided, single submitter. Criteria: Ambry Variant Classification Scheme 2023. Collection method: clinical testing. Allele origin: germline.
Comment: The p.T336I variant (also known as c.1007C>T), located in coding exon 9 of the NBN gene, results from a C to T substitution at nucleotide position 1007. The threonine at codon 336 is replaced by isoleucine, an amino acid with similar properties. This variant was not reported in population based cohorts in the following databases: Database of Single Nucleotide Polymorphisms (dbSNP), NHLBI Exome Sequencing Project (ESP), and 1000 Genomes Project. In the ESP, this variant was not observed in 6503 samples (13006 alleles) with coverage at this position. This nucleotide position is well conserved in available vertebrate species. To date, this alteration has been detected with an allele frequency of approximately 0.002% (greater than 65000 alleles tested) in our clinical cohort. This amino acid position is not well conserved in available vertebrate species. In addition, this alteration is predicted to be benign and deleterious by PolyPhen and SIFT in silico analyses, respectively. Since supporting evidence is limited at this time, the clinical significance of p.T336I remains unclear.

NM_002485.5(NBN):c.1007C>T (p.Thr336Ile)

Gene: NBN (nibrin; minus strand). Cytogenetic location: 8q21.3.
Variant type: single nucleotide variant.
Coding change: c.1007C>T on transcript NM_002485.5 (MANE Select); coding-DNA position 1007, C replaced by T.
Protein change: p.Thr336Ile; replaces threonine 336 with isoleucine.
Molecular consequence: missense variant.
Genome position (GRCh38, 1-based): chr8:89,958,842, G>A on the plus strand (C>T on the coding strand, the complement: NBN is on the minus strand). VCF-style: chr8-89958842-G-A. GRCh37 (hg19) VCF-style: chr8-90971070-G-A.
Other names: c.761C>T, p.Thr254Ile (NM_001024688.3); short protein forms T336I, T254I.
Identifiers: ClinVar variation 233135 (VCV000233135.10), dbSNP rs876660218, ClinGen allele CA10578778.
Genomic context (GRCh38, chr8:89,958,842, plus strand): 5'-GCGCTTGGCATTAGTTTTTCATCAACTGACACGCCTTGTGAAAGGCTTGGTCCTGGAGTT[G>A]TTGTCTTTAATCCTGTAAATCACACAAGTAGAAAGAAAGAATCACAACTGCTAGATAGAA-3'
Protein context (NP_002476.2, residues 326-346): QGHPSTGLKT[Thr336Ile]TPGPSLSQGV